The following is an entry in ClinVar:

NM_058216.3(RAD51C):c.1111G>A (p.Asp371Asn)

Gene: RAD51C (RAD51 paralog C; plus strand). Cytogenetic location: 17q22.
Variant type: single nucleotide variant.
Coding change: c.1111G>A on transcript NM_058216.3 (MANE Select); coding-DNA position 1111, G replaced by A.
Protein change: p.Asp371Asn; replaces aspartic acid 371 with asparagine.
Molecular consequence: missense variant. On other transcripts: non-coding transcript variant (1).
Genome position (GRCh38, 1-based): chr17:58,734,202, G>A. VCF-style: chr17-58734202-G-A. GRCh37 (hg19) VCF-style: chr17-56811563-G-A.
Other names: c.*539G>A (NM_058217.1); short protein forms D371N.
Identifiers: ClinVar variation 2089448 (VCV002089448.4), dbSNP rs2144062780, ClinGen allele CA400366543.

ClinVar aggregate classification (germline): Uncertain significance (1 of 4 stars; one submission).

Conditions:
Fanconi anemia complementation group O. Also called: RAD51C-Related Fanconi Anemia. Identifiers: Orphanet 84, MedGen C3150653, MONDO:0013248, OMIM 613390.

Allele frequency attached by ClinVar (database versions not stated): gnomAD exomes below 0.00001.
gnomAD v4.1: 1 of 1,612,394 alleles (0.000062%); highest among the groups gnomAD compares: Non-Finnish European, 0.000085%; no homozygotes.

Submission:

Labcorp Genetics (formerly Invitae), Labcorp
Classification: Uncertain significance for Fanconi anemia complementation group O. Last evaluated: 2022-02-22. Review status: criteria provided, single submitter. Criteria: Invitae Variant Classification Sherloc (09022015). Collection method: clinical testing. Allele origin: germline.
Comment: In summary, the available evidence is currently insufficient to determine the role of this variant in disease. Therefore, it has been classified as a Variant of Uncertain Significance. Algorithms developed to predict the effect of missense changes on protein structure and function (SIFT, PolyPhen-2, Align-GVGD) all suggest that this variant is likely to be tolerated. This variant has not been reported in the literature in individuals affected with RAD51C-related conditions. This variant is not present in population databases (gnomAD no frequency). This sequence change replaces aspartic acid, which is acidic and polar, with asparagine, which is neutral and polar, at codon 371 of the RAD51C protein (p.Asp371Asn).